The following is an entry in ClinVar:

ClinVar aggregate classification (germline): Uncertain significance (1 of 4 stars; one submission).

Conditions:
Hereditary cancer-predisposing syndrome. Also called: Neoplastic Syndromes, Hereditary; Tumor predisposition; Hereditary neoplastic syndrome; Hereditary Cancer Syndrome. Identifiers: Orphanet 140162, MedGen C0027672, MeSH D009386, MONDO:0015356.

Submission:

Ambry Genetics
Classification: Uncertain significance for Hereditary cancer-predisposing syndrome. Last evaluated: 2026-08-20. Review status: criteria provided, single submitter. Criteria: Ambry Variant Classification Scheme 2023. Collection method: clinical testing. Allele origin: germline.
Comment: The p.D482V variant (also known as c.1445A>T), located in coding exon 9 of the MSH3 gene, results from an A to T substitution at nucleotide position 1445. The aspartic acid at codon 482 is replaced by valine, an amino acid with highly dissimilar properties. This amino acid position is conserved. In addition, the in silico prediction for this alteration is inconclusive. Based on the available evidence, the clinical significance of this variant remains unclear.

NM_002439.5(MSH3):c.1445A>T (p.Asp482Val)

Gene: MSH3 (mutS homolog 3; plus strand). Cytogenetic location: 5q14.1.
Variant type: single nucleotide variant.
Coding change: c.1445A>T on transcript NM_002439.5 (MANE Select); coding-DNA position 1445, A replaced by T.
Protein change: p.Asp482Val; replaces aspartic acid 482 with valine.
Molecular consequence: missense variant.
Genome position (GRCh38, 1-based): chr5:80,725,557, A>T. VCF-style: chr5-80725557-A-T. GRCh37 (hg19) VCF-style: chr5-80021376-A-T.
Other names: short protein forms D482V.
Identifiers: ClinVar variation 5024831 (VCV005024831.1).